The following is an entry in ClinVar:

NM_001012301.4(ARSI):c.862A>G (p.Asn288Asp)

Gene: ARSI (arylsulfatase family member I; minus strand). Cytogenetic location: 5q32.
Variant type: single nucleotide variant.
Coding change: c.862A>G on transcript NM_001012301.4 (MANE Select); coding-DNA position 862, A replaced by G.
Protein change: p.Asn288Asp; replaces asparagine 288 with aspartic acid.
Molecular consequence: missense variant.
Genome position (GRCh38, 1-based): chr5:150,298,062, T>C on the plus strand (A>G on the coding strand, the complement: ARSI is on the minus strand). VCF-style: chr5-150298062-T-C. GRCh37 (hg19) VCF-style: chr5-149677625-T-C.
Other names: short protein forms N288D.
Identifiers: ClinVar variation 2125672 (VCV002125672.4), dbSNP rs375582010, ClinGen allele CA3510227.

ClinVar aggregate classification (germline): Uncertain significance (1 of 4 stars; one submission).

Conditions:
Spastic paraplegia. Identifiers: MedGen C0037772, HP:0001258.

Allele frequency attached by ClinVar (database versions not stated): ExAC 0.00002; gnomAD 0.00003; ESP Exome Variant Server 0.00008.
gnomAD v4.1: 7 of 1,612,462 alleles (0.00043%); highest among the groups gnomAD compares: African/African-American, 0.0054%; no homozygotes.

Submission:

Labcorp Genetics (formerly Invitae), Labcorp
Classification: Uncertain significance for Spastic paraplegia. Last evaluated: 2022-10-07. Review status: criteria provided, single submitter. Criteria: Invitae Variant Classification Sherloc (09022015). Collection method: clinical testing. Allele origin: germline.
Comment: This sequence change replaces asparagine, which is neutral and polar, with aspartic acid, which is acidic and polar, at codon 288 of the ARSI protein (p.Asn288Asp). This variant is present in population databases (rs375582010, gnomAD 0.002%). This variant has not been reported in the literature in individuals affected with ARSI-related conditions. Advanced modeling of protein sequence and biophysical properties (such as structural, functional, and spatial information, amino acid conservation, physicochemical variation, residue mobility, and thermodynamic stability) performed at Invitae indicates that this missense variant is not expected to disrupt ARSI protein function. In summary, the available evidence is currently insufficient to determine the role of this variant in disease. Therefore, it has been classified as a Variant of Uncertain Significance.